The following is an entry in ClinVar:

ClinVar aggregate classification (germline): Uncertain significance (1 of 4 stars; one submission).

Conditions:
Inborn genetic diseases. Identifiers: MedGen C0950123, MeSH D030342.

Submission:

Ambry Genetics
Classification: Uncertain significance for Inborn genetic diseases. Last evaluated: 2025-03-02. Review status: criteria provided, single submitter. Criteria: Ambry Variant Classification Scheme 2023. Collection method: clinical testing. Allele origin: germline.
Comment: The p.K382M variant (also known as c.1145A>T), located in coding exon 6 of the RECQL4 gene, results from an A to T substitution at nucleotide position 1145. The lysine at codon 382 is replaced by methionine, an amino acid with similar properties. This amino acid position is conserved. In addition, the in silico prediction for this alteration is inconclusive. Based on the available evidence, the clinical significance of this variant remains unclear.

NM_004260.4(RECQL4):c.1145A>T (p.Lys382Met)

Gene: RECQL4 (RecQ like helicase 4; minus strand). Cytogenetic location: 8q24.3.
Variant type: single nucleotide variant.
Coding change: c.1145A>T on transcript NM_004260.4 (MANE Select); coding-DNA position 1145, A replaced by T.
Protein change: p.Lys382Met; replaces lysine 382 with methionine.
Molecular consequence: missense variant. On other transcripts: non-coding transcript variant (3), intron variant (1).
Genome position (GRCh38, 1-based): chr8:144,515,877, T>A on the plus strand (A>T on the coding strand, the complement: RECQL4 is on the minus strand). VCF-style: chr8-144515877-T-A. GRCh37 (hg19) VCF-style: chr8-145741261-T-A.
Other names: c.1049A>T, p.Lys350Met (NM_001413017.1, NM_001413020.1); c.1145A>T, p.Lys382Met (NM_001413018.1, NM_001413019.1, NM_001413033.1 and 2 more transcripts); c.74A>T, p.Lys25Met (NM_001413021.1, NM_001413022.1, NM_001413023.1 and 8 more transcripts); c.1016A>T, p.Lys339Met (NM_001413025.1); c.12A>T, p.Glu4Asp (NM_001413027.1, NM_001413030.1, NM_001413031.1 and 2 more transcripts); c.794A>T, p.Lys265Met (NM_001413029.1); c.-210+111A>T (NM_001413043.1); short protein forms K265M, K350M, E4D, K25M, K339M, K382M.
Identifiers: ClinVar variation 3788072 (VCV003788072.1).